The following is an entry in ClinVar:

NM_001048166.1(STIL):c.3100C>A (p.Pro1034Thr)

Gene: STIL (STIL centriolar assembly protein; minus strand). Cytogenetic location: 1p33.
Variant type: single nucleotide variant.
Coding change: c.3100C>A on transcript NM_001048166.1 (MANE Select); coding-DNA position 3100, C replaced by A.
Protein change: p.Pro1034Thr; replaces proline 1034 with threonine.
Molecular consequence: missense variant.
Genome position (GRCh38, 1-based): chr1:47,251,903, G>T on the plus strand (C>A on the coding strand, the complement: STIL is on the minus strand). VCF-style: chr1-47251903-G-T. GRCh37 (hg19) VCF-style: chr1-47717575-G-T.
Other names: c.3097C>A, p.Pro1033Thr (NM_001282936.1, NM_003035.2); c.3046C>A, p.Pro1016Thr (NM_001282937.1); c.2959C>A, p.Pro987Thr (NM_001282938.1, NM_001377417.1); c.2905C>A, p.Pro969Thr (NM_001282939.1); short protein forms P987T, P1016T, P1033T, P1034T, P969T.
Identifiers: ClinVar variation 1971158 (VCV001971158.5), dbSNP rs1644194837, ClinGen allele CA340233869.

ClinVar aggregate classification (germline): Uncertain significance (1 of 4 stars; one submission).

Allele frequency attached by ClinVar (database versions not stated): gnomAD exomes below 0.00001; TOPMed 0.00001.
gnomAD v4.1: 2 of 1,611,400 alleles (0.00012%); highest among the groups gnomAD compares: African/African-American, 0.0027%; no homozygotes.

Submission:

Labcorp Genetics (formerly Invitae), Labcorp
Classification: Uncertain significance. Last evaluated: 2022-01-04. Review status: criteria provided, single submitter. Criteria: Invitae Variant Classification Sherloc (09022015). Collection method: clinical testing. Allele origin: germline.
Comment: In summary, the available evidence is currently insufficient to determine the role of this variant in disease. Therefore, it has been classified as a Variant of Uncertain Significance. Algorithms developed to predict the effect of missense changes on protein structure and function (SIFT, PolyPhen-2, Align-GVGD) all suggest that this variant is likely to be disruptive. This variant has not been reported in the literature in individuals affected with STIL-related conditions. This variant is not present in population databases (gnomAD no frequency). This sequence change replaces proline, which is neutral and non-polar, with threonine, which is neutral and polar, at codon 1033 of the STIL protein (p.Pro1033Thr).